The following is an entry in ClinVar:

NM_018122.5(DARS2):c.793T>C (p.Tyr265His)

Gene: DARS2 (aspartyl-tRNA synthetase 2, mitochondrial; plus strand). Cytogenetic location: 1q25.1.
Variant type: single nucleotide variant.
Coding change: c.793T>C on transcript NM_018122.5 (MANE Select); coding-DNA position 793, T replaced by C.
Protein change: p.Tyr265His; replaces tyrosine 265 with histidine.
Molecular consequence: missense variant.
Genome position (GRCh38, 1-based): chr1:173,838,212, T>C. VCF-style: chr1-173838212-T-C. GRCh37 (hg19) VCF-style: chr1-173807350-T-C.
Other names: c.793T>C, p.Tyr265His (NM_001365212.1, NM_001365213.2); short protein forms Y265H.
Identifiers: ClinVar variation 1961945 (VCV001961945.6), dbSNP rs1653077967, ClinGen allele CA343762301.

ClinVar aggregate classification (germline): Uncertain significance. Review status: criteria provided, multiple submitters, no conflicts (2 of 4 stars). 2 submissions from 2 submitters: Uncertain significance (2). Last evaluated 2022-04-12.

Allele frequency attached by ClinVar (database versions not stated): TOPMed below 0.00001; gnomAD exomes 0.00002.
gnomAD v4.1: 28 of 1,613,700 alleles (0.0017%); highest among the groups gnomAD compares: Non-Finnish European, 0.0022%; no homozygotes.

Submissions (2):

Labcorp Genetics (formerly Invitae), Labcorp
Classification: Uncertain significance. Last evaluated: 2022-04-12. Review status: criteria provided, single submitter. Criteria: Invitae Variant Classification Sherloc (09022015). Collection method: clinical testing. Allele origin: germline.
Comment: Advanced modeling of protein sequence and biophysical properties (such as structural, functional, and spatial information, amino acid conservation, physicochemical variation, residue mobility, and thermodynamic stability) performed at Invitae indicates that this missense variant is expected to disrupt DARS2 protein function. In summary, the available evidence is currently insufficient to determine the role of this variant in disease. Therefore, it has been classified as a Variant of Uncertain Significance. This variant has not been reported in the literature in individuals affected with DARS2-related conditions. This variant is not present in population databases (gnomAD no frequency). This sequence change replaces tyrosine, which is neutral and polar, with histidine, which is basic and polar, at codon 265 of the DARS2 protein (p.Tyr265His).

Blueprint Genetics
Classification: Uncertain significance. Last evaluated: 2019-10-23. Review status: criteria provided, single submitter. Criteria: ACMG Guidelines, 2015. Collection method: clinical testing. Allele origin: germline.